The following is an entry in ClinVar:

NM_000548.5(TSC2):c.4014dup (p.Val1339fs)

Gene: TSC2 (TSC complex subunit 2; plus strand). Cytogenetic location: 16p13.3.
Variant type: Duplication.
Coding change: c.4014dup on transcript NM_000548.5 (MANE Select); coding-DNA position 4014, one base duplicated (A; older notation c.4014dupA).
Protein change: p.Val1339fs; shifts the reading frame from valine 1339.
Molecular consequence: frameshift variant.
Genome position (GRCh38, 1-based): chr16:2,084,236, A duplicated. VCF-style (leftmost placement, unchanged base first): chr16-2084235-C-CA. GRCh37 (hg19) VCF-style: chr16-2134236-C-CA.
Other names: c.3813dup, p.Val1272fs (NM_001077183.3); c.3945dup, p.Val1316fs (NM_001114382.3); c.3705dup, p.Val1236fs (NM_001318827.2); c.3669dup, p.Val1224fs (NM_001318829.2); c.3282dup, p.Val1095fs (NM_001318831.2); c.3846dup, p.Val1283fs (NM_001318832.2); c.3816dup, p.Val1273fs (NM_001363528.2); c.3882dup, p.Val1295fs (NM_001370404.1); and 1 more; short protein forms V1095fs, V1224fs, V1236fs, V1272fs, V1273fs, V1283fs, V1295fs, V1296fs.
Identifiers: ClinVar variation 1076797 (VCV001076797.9), dbSNP rs2151520544, ClinGen allele CA2499223336.

ClinVar aggregate classification (germline): Pathogenic (1 of 4 stars; one submission).

Conditions:
Tuberous sclerosis 2 (TSC2). Identifiers: Orphanet 805, MedGen C1860707, MONDO:0013199, OMIM 613254.

Submission:

Labcorp Genetics (formerly Invitae), Labcorp
Classification: Pathogenic for Tuberous sclerosis 2. Last evaluated: 2020-02-12. Review status: criteria provided, single submitter. Criteria: Invitae Variant Classification Sherloc (09022015). Collection method: clinical testing. Allele origin: germline.
Comment: For these reasons, this variant has been classified as Pathogenic. Loss-of-function variants in TSC2 are known to be pathogenic (PMID: 10205261, 17304050). This variant has been observed in individual(s) with tuberous sclerosis complex (PMID: 27859028). This variant is not present in population databases (ExAC no frequency). This sequence change creates a premature translational stop signal (p.Val1339Serfs*75) in the TSC2 gene. It is expected to result in an absent or disrupted protein product.

Literature cited by the submitters: PubMed 10205261; PubMed 17304050; PubMed 27859028.